The following is an entry in ClinVar:

NM_024426.6(WT1):c.381C>T (p.Pro127=)

Genes: WT1 (WT1 transcription factor; minus strand), LOC107982234 (WT1/WT1-AS bi-directional promoter region; plus strand). Cytogenetic location: 11p13.
Variant type: single nucleotide variant.
Coding change: c.381C>T on transcript NM_024426.6 (MANE Select); coding-DNA position 381, C replaced by T.
Protein change: p.Pro127=; no amino-acid change (proline 127 retained).
Molecular consequence: synonymous variant. On other transcripts: non-coding transcript variant (1).
Genome position (GRCh38, 1-based): chr11:32,434,980, G>A on the plus strand (C>T on the coding strand, the complement: WT1 is on the minus strand). VCF-style: chr11-32434980-G-A. GRCh37 (hg19) VCF-style: chr11-32456526-G-A.
Other names: c.381C>T, p.Pro127= (NM_000378.6, NM_024424.5).
Identifiers: ClinVar variation 543144 (VCV000543144.18), dbSNP rs771681406, ClinGen allele CA473773723.

ClinVar aggregate classification (germline): Likely benign. Review status: criteria provided, multiple submitters, no conflicts (2 of 4 stars). 3 submissions from 3 submitters: Likely benign (3). Last evaluated 2026-08-14.

Conditions:
Frasier syndrome. Identifiers: Orphanet 347, MedGen C0950122, MeSH D052159, MONDO:0007635, OMIM 136680.
Drash syndrome (DDS). Also called: NEPHROPATHY, WILMS TUMOR, AND GENITAL ANOMALIES; WILMS TUMOR AND PSEUDO- OR TRUE HERMAPHRODITISM. Identifiers: Orphanet 220, MedGen C0950121, MONDO:0008682, OMIM 194080.
Wilms tumor 1 (WT1). Also called: Wilms tumor, somatic. Identifiers: Orphanet 654, MedGen CN033288, MONDO:0008679, OMIM 194070.
11p partial monosomy syndrome (WAGR). Also called: WAGR syndrome; WAGR Complex; WAGR Spectrum Disorder; CHROMOSOME 11p13 DELETION SYNDROME. Identifiers: Orphanet 893, MedGen C0206115, MONDO:0008681, OMIM 194072.
Inborn genetic diseases. Identifiers: MedGen C0950123, MeSH D030342.

gnomAD v4.1: 3 of 1,518,646 alleles (0.0002%); highest among the groups gnomAD compares: Admixed American, 0.0022%; no homozygotes.

Submissions (3):

Ambry Genetics
Classification: Likely benign for Inborn genetic diseases. Last evaluated: 2026-08-14. Review status: criteria provided, single submitter. Criteria: Ambry Variant Classification Scheme 2023. Collection method: clinical testing. Allele origin: germline.

CeGaT Center for Human Genetics Tuebingen
Classification: Likely benign. Last evaluated: 2025-08-01. Review status: criteria provided, single submitter. Criteria: CeGaT Center For Human Genetics Tuebingen Variant Classification Criteria Version 2. Collection method: clinical testing. Allele origin: germline. Affected: yes. Observed: 1 variant allele.
Comment: WT1: BP4, BP7

Labcorp Genetics (formerly Invitae), Labcorp
Classification: Likely benign for Wilms tumor 1; Drash syndrome; 11p partial monosomy syndrome; Frasier syndrome. Last evaluated: 2017-12-18. Review status: criteria provided, single submitter. Criteria: Invitae Variant Classification Sherloc (09022015). Collection method: clinical testing. Allele origin: germline.